The following is an entry in ClinVar:

ClinVar aggregate classification (germline): Likely benign. Review status: criteria provided, multiple submitters, no conflicts (2 of 4 stars). 3 submissions from 3 submitters: Likely benign (3). Last evaluated 2026-04-27.

Conditions:
LTBP3-related disorder. Also called: LTBP3-related condition.
Inborn genetic diseases. Identifiers: MedGen C0950123, MeSH D030342.
Brachyolmia-amelogenesis imperfecta syndrome. Also called: PLATYSPONDYLY WITH AMELOGENESIS IMPERFECTA; Tooth agenesis, selective, 6; Dental anomalies and short stature. Identifiers: Orphanet 2899, MedGen C1832594, MONDO:0011018, OMIM 601216. Disease mechanism: loss of function.

Allele frequency attached by ClinVar (database versions not stated): ExAC 0.00001; TOPMed 0.00001.
gnomAD v4.1: 6 of 1,609,258 alleles (0.00037%); highest among the groups gnomAD compares: Admixed American, 0.0083%; no homozygotes.

Submissions (3):

PreventionGenetics, part of Exact Sciences
Classification: Likely benign for LTBP3-related condition. Last evaluated: 2026-04-27. Review status: criteria provided, single submitter. Criteria: ACMG Guidelines, 2015. Collection method: clinical testing. Allele origin: germline.
Comment: This variant is classified as likely benign based on ACMG/AMP sequence variant interpretation guidelines (Richards et al. 2015 PMID: 25741868, with internal and published modifications).

Labcorp Genetics (formerly Invitae), Labcorp
Classification: Likely benign for Brachyolmia-amelogenesis imperfecta syndrome. Last evaluated: 2025-07-02. Review status: criteria provided, single submitter. Criteria: Invitae Variant Classification Sherloc (09022015). Collection method: clinical testing. Allele origin: germline.

Ambry Genetics
Classification: Likely benign for Inborn genetic diseases. Last evaluated: 2022-11-17. Review status: criteria provided, single submitter. Criteria: Ambry Variant Classification Scheme 2023. Collection method: clinical testing. Allele origin: germline.

NM_001130144.3(LTBP3):c.615C>T (p.His205=)

Gene: LTBP3 (latent transforming growth factor beta binding protein 3; minus strand). Cytogenetic location: 11q13.1.
Variant type: single nucleotide variant.
Coding change: c.615C>T on transcript NM_001130144.3 (MANE Select); coding-DNA position 615, C replaced by T.
Protein change: p.His205=; no amino-acid change (histidine 205 retained).
Molecular consequence: synonymous variant.
Genome position (GRCh38, 1-based): chr11:65,554,097, G>A on the plus strand (C>T on the coding strand, the complement: LTBP3 is on the minus strand). VCF-style: chr11-65554097-G-A. GRCh37 (hg19) VCF-style: chr11-65321568-G-A.
Other names: c.264C>T, p.His88= (NM_001164266.1); c.615C>T, p.His205= (NM_021070.4).
Identifiers: ClinVar variation 2073853 (VCV002073853.7), dbSNP rs771130447, ClinGen allele CA6101198.